The following is an entry in ClinVar:

NM_000414.4(HSD17B4):c.1127C>T (p.Thr376Ile)

Gene: HSD17B4 (hydroxysteroid 17-beta dehydrogenase 4; plus strand). Cytogenetic location: 5q23.1.
Variant type: single nucleotide variant.
Coding change: c.1127C>T on transcript NM_000414.4 (MANE Select); coding-DNA position 1127, C replaced by T.
Protein change: p.Thr376Ile; replaces threonine 376 with isoleucine.
Molecular consequence: missense variant. On other transcripts: non-coding transcript variant (2).
Genome position (GRCh38, 1-based): chr5:119,499,471, C>T. VCF-style: chr5-119499471-C-T. GRCh37 (hg19) VCF-style: chr5-118835166-C-T.
Other names: c.1202C>T, p.Thr401Ile (NM_001199291.3); c.1073C>T, p.Thr358Ile (NM_001199292.2); c.1055C>T, p.Thr352Ile (NM_001292027.2); c.707C>T, p.Thr236Ile (NM_001292028.2); c.1118C>T, p.Thr373Ile (NM_001374497.1); c.1127C>T, p.Thr376Ile (NM_001374498.1); c.800C>T, p.Thr267Ile (NM_001374499.1); c.686C>T, p.Thr229Ile (NM_001374500.1); and 1 more; short protein forms T358I, T376I, T229I, T236I, T239I, T267I, T352I, T373I.
Identifiers: ClinVar variation 4087938 (VCV004087938.1).

ClinVar aggregate classification (germline): Uncertain significance (1 of 4 stars; one submission).

gnomAD v4.1: 1 of 1,613,728 alleles (0.000062%); highest among the groups gnomAD compares: African/African-American, 0.0013%; no homozygotes.

Submission:

GeneDx
Classification: Uncertain significance. Last evaluated: 2025-03-25. Review status: criteria provided, single submitter. Criteria: GeneDx Variant Classification Process June 2021. Collection method: clinical testing. Allele origin: germline. Affected: yes.
Comment: Not observed at significant frequency in large population cohorts (gnomAD); In silico analysis supports that this missense variant has a deleterious effect on protein structure/function; Has not been previously published as pathogenic or benign to our knowledge